The following is an entry in ClinVar:

NM_021625.5(TRPV4):c.523A>G (p.Thr175Ala)

Gene: TRPV4 (transient receptor potential cation channel subfamily V member 4; minus strand). Cytogenetic location: 12q24.11.
Variant type: single nucleotide variant.
Coding change: c.523A>G on transcript NM_021625.5 (MANE Select); coding-DNA position 523, A replaced by G.
Protein change: p.Thr175Ala; replaces threonine 175 with alanine.
Molecular consequence: missense variant.
Genome position (GRCh38, 1-based): chr12:109,808,332, T>C on the plus strand (A>G on the coding strand, the complement: TRPV4 is on the minus strand). VCF-style: chr12-109808332-T-C. GRCh37 (hg19) VCF-style: chr12-110246137-T-C.
Other names: c.523A>G, p.Thr175Ala (NM_147204.3, NM_001177428.2, NM_001177433.2); c.421A>G, p.Thr141Ala (NM_001177431.2); short protein forms T175A, T141A.
Identifiers: ClinVar variation 448711 (VCV000448711.62), dbSNP rs146304351, ClinGen allele CA6780524.

ClinVar aggregate classification (germline): Conflicting classifications of pathogenicity. Review status: criteria provided, conflicting classifications (1 of 4 stars). 15 submissions from 10 submitters: Uncertain significance (13); Likely benign (2). Last evaluated 2026-06-29.

Conditions:
Charcot-Marie-Tooth disease. Also called: Charcot-Marie-Tooth Neuropathy; Charcot-Marie-Tooth Hereditary Neuropathy. Identifiers: Orphanet 166, MedGen C0007959, MONDO:0015626.
Brachyrachia (short spine dysplasia) (BCYM3). Also called: Brachyolmia, TRPV4-Related; Brachyolmia Type 3; Autosomal dominant brachyolmia; BRACHYRACHIA. Identifiers: Orphanet 93304, MedGen C0432227, MONDO:0007232, OMIM 113500.
Spondylometaphyseal dysplasia, Kozlowski type (SMDK). Also called: Spondylometaphyseal Dysplasia, TRPV4-Related (Kozlowski Type); Dysmorphism arthrogryposis skeletal maturation advanced; Jequier-Kozlowski syndrome; Skeletal dysplasia Jequier-Kozlowski type; SMD Kozlowski type. Identifiers: Orphanet 93314, MedGen C0265280, MONDO:0008477, OMIM 184252.
Metatropic dysplasia (MTD). Also called: METATROPIC DWARFISM; Metatropic Dysplasia, TRPV4-Related; Metatropic dysplasia, nonlethal dominant. Identifiers: Orphanet 2635, MedGen C0265281, MONDO:0007986, OMIM 156530.
Neuronopathy, distal hereditary motor, autosomal dominant 8. Also called: NEURONOPATHY, DISTAL HEREDITARY MOTOR, TYPE VIII; NEUROPATHY, DISTAL HEREDITARY MOTOR, TYPE VIII; Autosomal dominant congenital benign spinal muscular atrophy; SPINAL MUSCULAR ATROPHY, CONGENITAL BENIGN, WITH CONTRACTURES. Identifiers: Orphanet 1216, MedGen C1838492, MONDO:0010839, OMIM 600175.
Charcot-Marie-Tooth disease axonal type 2C (HMSN2C). Also called: Charcot-Marie-Tooth Disease Type 2, TRPV4-Related (CMT2C); CHARCOT-MARIE-TOOTH DISEASE, AXONAL, AUTOSOMAL DOMINANT, TYPE 2C; Charcot-Marie-Tooth Neuropathy Type 2C. Identifiers: Orphanet 99937, MedGen C1853710, MONDO:0011633, OMIM 606071.
Inborn genetic diseases. Identifiers: MedGen C0950123, MeSH D030342.
TRPV4-related disorder. Also called: TRPV4-related condition; TRPV4-related disorders.
Scapuloperoneal spinal muscular atrophy (SPSMA). Also called: Scapuloperoneal Spinal Muscular Atrophy, TRPV4-Related; Scapuloperoneal Form of Spinal Muscular Atrophy; Scapuloperoneal spinal muscular atrophy, autosomal dominant; AMYOTROPHY, NEUROGENIC SCAPULOPERONEAL, NEW ENGLAND TYPE. Identifiers: Orphanet 431255, MedGen C0751335, MONDO:0008408, OMIM 181405.

Allele frequency attached by ClinVar (database versions not stated): gnomAD 0.00003 and 0.00002; gnomAD exomes 0.00003 and 0.00002; TOPMed 0.00003; ESP Exome Variant Server 0.00008; ExAC 0.00003.
gnomAD v4.1: 33 of 1,614,028 alleles (0.002%); highest among the groups gnomAD compares: African/African-American, 0.004%; no homozygotes.

Submissions (15):

PreventionGenetics, part of Exact Sciences
Classification: Uncertain significance for TRPV4-related condition. Last evaluated: 2026-06-29. Review status: criteria provided, single submitter. Criteria: ACMG Guidelines, 2015. Collection method: clinical testing. Allele origin: germline.
Comment: The TRPV4 c.523A>G variant is predicted to result in the amino acid substitution p.Thr175Ala. This variant was reported as a variant of uncertain significance in an individual from a large cohort study of Charcot-Marie-Tooth disease; however, additional evidence was not provided (Volodarsky et al. 2021. PubMed ID: 32376792). In vivo experimental studies suggest this variant may be relevant for phosphorylation and could impact protein function (Fan et al. 2009. PubMed ID: 19661060). This variant is reported in 0.0053% of alleles in individuals of European (non-Finnish) descent in gnomAD. At this time, the clinical significance of this variant is uncertain due to the absence of conclusive functional and genetic evidence.

Ambry Genetics
Classification: Uncertain significance for Inborn genetic diseases. Last evaluated: 2025-10-07. Review status: criteria provided, single submitter. Criteria: Ambry Variant Classification Scheme 2023. Collection method: clinical testing. Allele origin: germline.
Comment: The c.523A>G (p.T175A) alteration is located in exon 3 (coding exon 2) of the TRPV4 gene. This alteration results from a A to G substitution at nucleotide position 523, causing the threonine (T) at amino acid position 175 to be replaced by an alanine (A). Based on data from gnomAD, the G allele has an overall frequency of 0.003% (7/251258) total alleles studied. The highest observed frequency was 0.005% (6/113588) of European (non-Finnish) alleles. Based on insufficient or conflicting evidence, the clinical significance of this alteration remains unclear.

Labcorp Genetics (formerly Invitae), Labcorp
Classification: Uncertain significance for Charcot-Marie-Tooth disease axonal type 2C. Last evaluated: 2025-07-29. Review status: criteria provided, single submitter. Criteria: Invitae Variant Classification Sherloc (09022015). Collection method: clinical testing. Allele origin: germline.
Comment: This sequence change replaces threonine, which is neutral and polar, with alanine, which is neutral and non-polar, at codon 175 of the TRPV4 protein (p.Thr175Ala). This variant is present in population databases (rs146304351, gnomAD 0.005%). This missense change has been observed in individual(s) with clinical features of Charcot-Marie-Tooth disease (PMID: 32376792). ClinVar contains an entry for this variant (Variation ID: 448711). Invitae Evidence Modeling of protein sequence and biophysical properties (such as structural, functional, and spatial information, amino acid conservation, physicochemical variation, residue mobility, and thermodynamic stability) indicates that this missense variant is not expected to disrupt TRPV4 protein function with a negative predictive value of 95%. Experimental studies have shown that this missense change affects TRPV4 function (PMID: 19661060). In summary, the available evidence is currently insufficient to determine the role of this variant in disease. Therefore, it has been classified as a Variant of Uncertain Significance.

Athena Diagnostics
Classification: Uncertain significance. Last evaluated: 2024-12-20. Review status: criteria provided, single submitter. Criteria: Athena Diagnostics Criteria. Collection method: clinical testing. Allele origin: unknown.
Comment: Available data are insufficient to determine the clinical significance of the variant at this time. The frequency of this variant in the general population is higher than would generally be expected for pathogenic variants in this gene. Assessment of experimental evidence regarding the effect of this variant on protein function is inconclusive. Experimental studies show that this variant may disrupt phosphorylation of TRPV4, however it is unclear if this effect would be enough to have a clinical impact (PMID: 19661060).

Blueprint Genetics
Classification: Uncertain significance. Last evaluated: 2024-07-10. Review status: criteria provided, single submitter. Criteria: ACMG Guidelines, 2015. Collection method: clinical testing. Allele origin: germline.

Mayo Clinic Laboratories, Mayo Clinic
Classification: Uncertain significance. Last evaluated: 2023-07-07. Review status: criteria provided, single submitter. Criteria: ACMG Guidelines, 2015. Collection method: clinical testing. Allele origin: germline. Observed: 1 variant allele.
Comment: BP4

GeneDx
Classification: Likely benign. Last evaluated: 2019-12-04. Review status: criteria provided, single submitter. Criteria: GeneDx Variant Classification Process June 2021. Collection method: clinical testing. Allele origin: germline. Affected: yes.
Comment: See Variant Classification Assertion Criteria.

CeGaT Center for Human Genetics Tuebingen
Classification: Uncertain significance. Last evaluated: 2019-06-01. Review status: criteria provided, single submitter. Criteria: CeGaT Center For Human Genetics Tuebingen Variant Classification Criteria Version 2. Collection method: clinical testing. Allele origin: germline. Affected: yes. Observed: 1 variant allele.

Illumina Laboratory Services, Illumina
Classification: Uncertain significance for Brachyrachia (short spine dysplasia). Last evaluated: 2017-04-27. Review status: criteria provided, single submitter. Criteria: ICSL Variant Classification Criteria 13 December 2019. Collection method: clinical testing. Allele origin: germline.

Illumina Laboratory Services, Illumina
Classification: Uncertain significance for Scapuloperoneal spinal muscular atrophy. Last evaluated: 2017-04-27. Review status: criteria provided, single submitter. Criteria: ICSL Variant Classification Criteria 13 December 2019. Collection method: clinical testing. Allele origin: germline.

Illumina Laboratory Services, Illumina
Classification: Uncertain significance for Metatropic dysplasia. Last evaluated: 2017-04-27. Review status: criteria provided, single submitter. Criteria: ICSL Variant Classification Criteria 13 December 2019. Collection method: clinical testing. Allele origin: germline.

Illumina Laboratory Services, Illumina
Classification: Uncertain significance for Charcot-Marie-Tooth disease axonal type 2C. Last evaluated: 2017-04-27. Review status: criteria provided, single submitter. Criteria: ICSL Variant Classification Criteria 13 December 2019. Collection method: clinical testing. Allele origin: germline.

Illumina Laboratory Services, Illumina
Classification: Uncertain significance for Neuronopathy, distal hereditary motor, autosomal dominant 8. Last evaluated: 2017-04-27. Review status: criteria provided, single submitter. Criteria: ICSL Variant Classification Criteria 13 December 2019. Collection method: clinical testing. Allele origin: germline.

Illumina Laboratory Services, Illumina
Classification: Likely benign for Spondylometaphyseal dysplasia, Kozlowski type. Last evaluated: 2017-04-27. Review status: criteria provided, single submitter. Criteria: ICSL Variant Classification Criteria 13 December 2019. Collection method: clinical testing. Allele origin: germline.
Comment: This variant was observed as part of a predisposition screen in an ostensibly healthy population. A literature search was performed for the gene, cDNA change, and amino acid change (where applicable). No publications were found based on this search. Allele frequency data from public databases allowed determination this variant is unlikely to cause disease. Therefore, this variant is classified as likely benign.

Molecular Genetics Laboratory, London Health Sciences Centre
Classification: Uncertain significance for Charcot-Marie-Tooth disease. Review status: criteria provided, single submitter. Criteria: ACMG Guidelines, 2015. Collection method: clinical testing. Allele origin: germline. Affected: yes.

Literature cited by the submitters: PubMed 32376792 (cited by 3 submitters); PubMed 19661060 (cited by 3 submitters).